The following is an entry in ClinVar:

NM_006371.5(CRTAP):c.17G>T (p.Arg6Leu)

Genes: CRTAP (cartilage associated protein; plus strand), LOC129936436 (ATAC-STARR-seq lymphoblastoid silent region 14183; plus strand). Cytogenetic location: 3p22.3.
Variant type: single nucleotide variant.
Coding change: c.17G>T on transcript NM_006371.5 (MANE Select); coding-DNA position 17, G replaced by T.
Protein change: p.Arg6Leu; replaces arginine 6 with leucine.
Molecular consequence: missense variant.
Genome position (GRCh38, 1-based): chr3:33,114,094, G>T. VCF-style: chr3-33114094-G-T. GRCh37 (hg19) VCF-style: chr3-33155586-G-T.
Other names: c.17G>T (NM_006371.4); c.17G>T, p.Arg6Leu (NM_001393363.1, NM_001393364.1, NM_001393365.1); short protein forms R6L.
Identifiers: ClinVar variation 1348476 (VCV001348476.6), dbSNP rs780490905, ClinGen allele CA2300167.

ClinVar aggregate classification (germline): Uncertain significance. Review status: criteria provided, multiple submitters, no conflicts (2 of 4 stars). 2 submissions from 2 submitters: Uncertain significance (2). Last evaluated 2024-11-22.

Conditions:
Inborn genetic diseases. Identifiers: MedGen C0950123, MeSH D030342.
Osteogenesis imperfecta type 7 (OI7). Also called: Osteogenesis imperfecta type 2B; OI type 2B; Osteogenesis imperfecta, perinatal lethal autosomal recessive; OI type IIB; OSTEOGENESIS IMPERFECTA, TYPE IIB; OI type 7. Identifiers: MedGen C1853162, MONDO:0012536, OMIM 610682.

Allele frequency attached by ClinVar (database versions not stated): gnomAD exomes 0.00001.
gnomAD v4.1: 114 of 1,459,814 alleles (0.0078%); highest among the groups gnomAD compares: Non-Finnish European, 0.0095%; no homozygotes.

Submissions (2):

Ambry Genetics
Classification: Uncertain significance for Inborn genetic diseases. Last evaluated: 2024-11-22. Review status: criteria provided, single submitter. Criteria: Ambry Variant Classification Scheme 2023. Collection method: clinical testing. Allele origin: germline.

Labcorp Genetics (formerly Invitae), Labcorp
Classification: Uncertain significance for Osteogenesis imperfecta type 7. Last evaluated: 2022-08-23. Review status: criteria provided, single submitter. Criteria: Invitae Variant Classification Sherloc (09022015). Collection method: clinical testing. Allele origin: germline.
Comment: This sequence change replaces arginine, which is basic and polar, with leucine, which is neutral and non-polar, at codon 6 of the CRTAP protein (p.Arg6Leu). This variant is present in population databases (rs780490905, gnomAD 0.01%). This variant has not been reported in the literature in individuals affected with CRTAP-related conditions. ClinVar contains an entry for this variant (Variation ID: 1348476). Algorithms developed to predict the effect of missense changes on protein structure and function are either unavailable or do not agree on the potential impact of this missense change (SIFT: "Tolerated"; PolyPhen-2: "Not Available"; Align-GVGD: "Class C0"). In summary, the available evidence is currently insufficient to determine the role of this variant in disease. Therefore, it has been classified as a Variant of Uncertain Significance.